The following is an entry in ClinVar:

NM_001723.7(DST):c.3673G>A (p.Glu1225Lys)

Gene: DST (dystonin; minus strand). Cytogenetic location: 6p12.1.
Variant type: single nucleotide variant.
Coding change: c.3673G>A on transcript NM_001723.7 (MANE Plus Clinical); coding-DNA position 3673, G replaced by A.
Protein change: p.Glu1225Lys; replaces glutamic acid 1225 with lysine.
Molecular consequence: missense variant. On other transcripts: intron variant (10).
Genome position (GRCh38, 1-based): chr6:56,620,361, C>T on the plus strand (G>A on the coding strand, the complement: DST is on the minus strand). VCF-style: chr6-56620361-C-T. GRCh37 (hg19) VCF-style: chr6-56485159-C-T.
Other names: c.4830+4169G>A (NM_001144769.5); c.4929+4169G>A (NM_001374722.1, NM_001374736.1); c.4956+4169G>A (NM_001374734.1); c.4416+4169G>A (NM_001144770.2); c.4296+4169G>A (NM_001374730.1, NM_001386100.1, NM_183380.4 and 1 more transcripts); c.3318+4169G>A (NM_015548.5); short protein forms E1225K.
Identifiers: ClinVar variation 999144 (VCV000999144.6), dbSNP rs532648332, ClinGen allele CA3870668.
Genomic context (GRCh38, chr6:56,620,361, plus strand): 5'-TTTCCTCCAACTGATTGCGAAAATTCAGGAGGTTCTCTTCCACGGCAGCTCTTTTAGCCT[C>T]GGCCTCTATGGTGAGCTGCCTCACCCGCTCCAGTTCTCTTTCAGCGGCTTCCTTCTCTCT-3'
Protein context (NP_001714.1, residues 1215-1235): ERVRQLTIEA[Glu1225Lys]AKRAAVEENL

ClinVar aggregate classification (germline): Uncertain significance (1 of 4 stars; one submission).

Conditions:
Epidermolysis bullosa simplex 3, localized or generalized intermediate, with BP230 deficiency (EBS3). Also called: Epidermolysis bullosa simplex, autosomal recessive 2; Epidermolysis bullosa simplex due to BP230 deficiency. Identifiers: Orphanet 412181, MedGen C3809470, MONDO:0014180, OMIM 615425.
Hereditary sensory and autonomic neuropathy type 6. Also called: HSAN VI; Neuropathy, hereditary sensory and autonomic, type VI. Identifiers: Orphanet 314381, MedGen C3539003, MONDO:0013839, OMIM 614653.

Allele frequency attached by ClinVar (database versions not stated): TOPMed 0.00001; ExAC 0.00002; gnomAD exomes 0.00003.
gnomAD v4.1: 48 of 1,614,072 alleles (0.003%); highest among the groups gnomAD compares: Admixed American, 0.005%; no homozygotes.

Submission:

Labcorp Genetics (formerly Invitae), Labcorp
Classification: Uncertain significance for Epidermolysis bullosa simplex 3, localized or generalized intermediate, with BP230 deficiency; Hereditary sensory and autonomic neuropathy type 6. Last evaluated: 2021-08-26. Review status: criteria provided, single submitter. Criteria: Invitae Variant Classification Sherloc (09022015). Collection method: clinical testing. Allele origin: germline.
Comment: This sequence change replaces glutamic acid with lysine at codon 1225 of the DST protein (p.Glu1225Lys). The glutamic acid residue is weakly conserved and there is a small physicochemical difference between glutamic acid and lysine. This variant is present in population databases (rs532648332, ExAC 0.009%). This variant has not been reported in the literature in individuals affected with DST-related conditions. Algorithms developed to predict the effect of missense changes on protein structure and function are either unavailable or do not agree on the potential impact of this missense change (SIFT: "Tolerated"; PolyPhen-2: "Possibly Damaging"; Align-GVGD: "Class C0"). In summary, the available evidence is currently insufficient to determine the role of this variant in disease. Therefore, it has been classified as a Variant of Uncertain Significance.